The following is an entry in ClinVar:

NM_000016.6(ACADM):c.1090A>G (p.Ile364Val)

Gene: ACADM (acyl-CoA dehydrogenase medium chain; plus strand). Cytogenetic location: 1p31.1.
Variant type: single nucleotide variant.
Coding change: c.1090A>G on transcript NM_000016.6 (MANE Select); coding-DNA position 1090, A replaced by G.
Protein change: p.Ile364Val; replaces isoleucine 364 with valine.
Molecular consequence: missense variant.
Genome position (GRCh38, 1-based): chr1:75,761,266, A>G. VCF-style: chr1-75761266-A-G. GRCh37 (hg19) VCF-style: chr1-76226951-A-G.
Other names: c.523A>G, p.Ile175Val (NM_001286044.2); c.1090A>G (NM_000016.4); c.1102A>G, p.Ile368Val (NM_001127328.3); c.982A>G, p.Ile328Val (NM_001286042.2); c.1189A>G, p.Ile397Val (NM_001286043.2); short protein forms I175V, I328V, I368V, I364V, I397V.
Identifiers: ClinVar variation 861480 (VCV000861480.9), dbSNP rs758973773, ClinGen allele CA913273.

ClinVar aggregate classification (germline): Uncertain significance. Review status: criteria provided, multiple submitters, no conflicts (2 of 4 stars). 3 submissions from 3 submitters: Uncertain significance (2). 1 of the submissions does not count toward it. Last evaluated 2025-08-04.

Conditions:
Medium-chain acyl-coenzyme A dehydrogenase deficiency (ACADMD). Also called: MCAD Deficiency; ACADM DEFICIENCY; MCADH DEFICIENCY; CARNITINE DEFICIENCY SECONDARY TO MEDIUM-CHAIN ACYL-CoA DEHYDROGENASE DEFICIENCY; Medium chain acyl-CoA dehydrogenase deficiency; MCADD. Identifiers: Orphanet 42, MedGen C0220710, MONDO:0008721, OMIM 201450.
Inborn genetic diseases. Identifiers: MedGen C0950123, MeSH D030342.

Allele frequency attached by ClinVar (database versions not stated): ExAC 0.00001; gnomAD exomes 0.00001; TOPMed 0.00001.
gnomAD v4.1: 25 of 1,614,032 alleles (0.0015%); highest among the groups gnomAD compares: Non-Finnish European, 0.0021%; no homozygotes.

Submissions (3):

Ambry Genetics
Classification: Uncertain significance for Inborn genetic diseases. Last evaluated: 2025-08-04. Review status: criteria provided, single submitter. Criteria: Ambry Variant Classification Scheme 2023. Collection method: clinical testing. Allele origin: germline.

Labcorp Genetics (formerly Invitae), Labcorp
Classification: Uncertain significance for Medium-chain acyl-coenzyme A dehydrogenase deficiency. Last evaluated: 2022-08-22. Review status: criteria provided, single submitter. Criteria: Invitae Variant Classification Sherloc (09022015). Collection method: clinical testing. Allele origin: germline.
Comment: This sequence change replaces isoleucine, which is neutral and non-polar, with valine, which is neutral and non-polar, at codon 364 of the ACADM protein (p.Ile364Val). This variant is present in population databases (rs758973773, gnomAD 0.002%). This variant has not been reported in the literature in individuals affected with ACADM-related conditions. ClinVar contains an entry for this variant (Variation ID: 861480). Advanced modeling of protein sequence and biophysical properties (such as structural, functional, and spatial information, amino acid conservation, physicochemical variation, residue mobility, and thermodynamic stability) performed at Invitae indicates that this missense variant is not expected to disrupt ACADM protein function. In summary, the available evidence is currently insufficient to determine the role of this variant in disease. Therefore, it has been classified as a Variant of Uncertain Significance.

Natera, Inc.
Classification: Uncertain significance for Medium-chain acyl-coenzyme a dehydrogenase deficiency. Last evaluated: 2020-09-16. Review status: no assertion criteria provided. Collection method: clinical testing. Allele origin: germline. Not counted in ClinVar's aggregate classification.